The following is an entry in ClinVar:

ClinVar aggregate classification (germline): Uncertain significance (1 of 4 stars; one submission).

Conditions:
Inborn genetic diseases. Identifiers: MedGen C0950123, MeSH D030342.

gnomAD v4.1: 1 of 1,607,668 alleles (0.000062%); highest among the groups gnomAD compares: South Asian, 0.0011%; no homozygotes.

Submission:

Ambry Genetics
Classification: Uncertain significance for Inborn genetic diseases. Last evaluated: 2025-05-05. Review status: criteria provided, single submitter. Criteria: Ambry Variant Classification Scheme 2023. Collection method: clinical testing. Allele origin: germline.
Comment: The p.Q1371E variant (also known as c.4111C>G), located in coding exon 14 of the FANCM gene, results from a C to G substitution at nucleotide position 4111. The glutamine at codon 1371 is replaced by glutamic acid, an amino acid with highly similar properties. This amino acid position is conserved. In addition, this alteration is predicted to be tolerated by in silico analysis. Based on the available evidence, the clinical significance of this variant remains unclear.

NM_020937.4(FANCM):c.4111C>G (p.Gln1371Glu)

Gene: FANCM (FA complementation group M; plus strand). Cytogenetic location: 14q21.2.
Variant type: single nucleotide variant.
Coding change: c.4111C>G on transcript NM_020937.4 (MANE Select); coding-DNA position 4111, C replaced by G.
Protein change: p.Gln1371Glu; replaces glutamine 1371 with glutamic acid.
Molecular consequence: missense variant.
Genome position (GRCh38, 1-based): chr14:45,176,865, C>G. VCF-style: chr14-45176865-C-G. GRCh37 (hg19) VCF-style: chr14-45646068-C-G.
Other names: c.4033C>G, p.Gln1345Glu (NM_001308133.2); short protein forms Q1371E, Q1345E.
Identifiers: ClinVar variation 4022750 (VCV004022750.1).